The following is an entry in ClinVar:

ClinVar aggregate classification (germline): Benign/Likely benign. Review status: criteria provided, multiple submitters, no conflicts (2 of 4 stars). 5 submissions from 5 submitters: Benign (1); Likely benign (4). Last evaluated 2025-11-13.

Conditions:
Spastic paraplegia. Identifiers: MedGen C0037772, HP:0001258.

Allele frequency attached by ClinVar (database versions not stated): gnomAD exomes 0.00035 and 0.00096; ExAC 0.00125; gnomAD 0.00306 and 0.00329; TOPMed 0.00311; 1000 Genomes Project 30x 0.00344; ESP Exome Variant Server 0.00354; 1000 Genomes Project 0.00359.

Submissions (5):

Labcorp Genetics (formerly Invitae), Labcorp
Classification: Benign for Spastic paraplegia. Last evaluated: 2025-11-13. Review status: criteria provided, single submitter. Criteria: Invitae Variant Classification Sherloc (09022015). Collection method: clinical testing. Allele origin: germline.

Blueprint Genetics
Classification: Likely benign. Last evaluated: 2024-08-12. Review status: criteria provided, single submitter. Criteria: ACMG Guidelines, 2015. Collection method: clinical testing. Allele origin: germline.

CeGaT Center for Human Genetics Tuebingen
Classification: Likely benign. Last evaluated: 2024-07-01. Review status: criteria provided, single submitter. Criteria: CeGaT Center For Human Genetics Tuebingen Variant Classification Criteria Version 2. Collection method: clinical testing. Allele origin: germline. Affected: yes. Observed: 2 variant alleles.
Comment: B4GALNT1: BP4, BP7, BS1

GeneDx
Classification: Likely benign. Last evaluated: 2021-05-04. Review status: criteria provided, single submitter. Criteria: GeneDx Variant Classification Process June 2021. Collection method: clinical testing. Allele origin: germline. Affected: yes.

Breakthrough Genomics
Classification: Likely benign. Review status: criteria provided, single submitter. Criteria: ACMG Guidelines, 2015. Collection method: not provided. Allele origin: germline. Inheritance: Autosomal recessive inheritance. Affected: yes.

NM_001478.5(B4GALNT1):c.768G>A (p.Pro256=)

Gene: B4GALNT1 (beta-1,4-N-acetyl-galactosaminyltransferase 1; minus strand). Cytogenetic location: 12q13.3.
Variant type: single nucleotide variant.
Coding change: c.768G>A on transcript NM_001478.5 (MANE Select); coding-DNA position 768, G replaced by A.
Protein change: p.Pro256=; no amino-acid change (proline 256 retained).
Molecular consequence: synonymous variant.
Genome position (GRCh38, 1-based): chr12:57,629,091, C>T on the plus strand (G>A on the coding strand, the complement: B4GALNT1 is on the minus strand). VCF-style: chr12-57629091-C-T. GRCh37 (hg19) VCF-style: chr12-58022874-C-T.
Other names: c.603G>A, p.Pro201= (NM_001276468.2).
Identifiers: ClinVar variation 695484 (VCV000695484.37), dbSNP rs144400738, ClinGen allele CA6655648.